The following is an entry in ClinVar:

NM_002519.3(NPAT):c.3535A>G (p.Lys1179Glu)

Gene: NPAT (nuclear protein, coactivator of histone transcription; minus strand). Cytogenetic location: 11q22.3.
Variant type: single nucleotide variant.
Coding change: c.3535A>G on transcript NM_002519.3 (MANE Select); coding-DNA position 3535, A replaced by G.
Protein change: p.Lys1179Glu; replaces lysine 1179 with glutamic acid.
Molecular consequence: missense variant.
Genome position (GRCh38, 1-based): chr11:108,161,551, T>C on the plus strand (A>G on the coding strand, the complement: NPAT is on the minus strand). VCF-style: chr11-108161551-T-C. GRCh37 (hg19) VCF-style: chr11-108032278-T-C.
Other names: c.3556A>G, p.Lys1186Glu (NM_001321307.1); short protein forms K1179E, K1186E.
Identifiers: ClinVar variation 1732397 (VCV001732397.3), dbSNP rs1194843656, ClinGen allele CA382510593.
Genomic context (GRCh38, chr11:108,161,551, plus strand): 5'-TCTCACTTCGCAAACCCCCATTTTGCTGCCCAATAGATAGTTTTGAATTTTCTGGATTTT[T>C]CTGTCTTTCTACATCGCTGCATAATTCATTCTCCTTATTAGCTGTTGCTTTATGGAAAGA-3'
Protein context (NP_002510.2, residues 1169-1189): NELCSDVERQ[Lys1179Glu]NPENSKLSIG

ClinVar aggregate classification (germline): Uncertain significance (1 of 4 stars; one submission).

Allele frequency attached by ClinVar (database versions not stated): gnomAD exomes 0.00001.
gnomAD v4.1: 3 of 1,614,220 alleles (0.00019%); highest among the groups gnomAD compares: Non-Finnish European, 0.00025%; no homozygotes.

Submission:

Ambry Genetics
Classification: Uncertain significance. Last evaluated: 2024-04-19. Review status: criteria provided, single submitter. Criteria: Ambry Variant Classification Scheme 2023. Collection method: clinical testing. Allele origin: germline.
Comment: The p.K1179E variant (also known as c.3535A>G), located in coding exon 17 of the NPAT gene, results from an A to G substitution at nucleotide position 3535. The lysine at codon 1179 is replaced by glutamic acid, an amino acid with similar properties. This amino acid position is conserved. In addition, this alteration is predicted to be tolerated by in silico analysis. Since supporting evidence is limited at this time, the clinical significance of this alteration remains unclear.